The following is an entry in ClinVar:

NM_018122.5(DARS2):c.406A>T (p.Thr136Ser)

Gene: DARS2 (aspartyl-tRNA synthetase 2, mitochondrial; plus strand). Cytogenetic location: 1q25.1.
Variant type: single nucleotide variant.
Coding change: c.406A>T on transcript NM_018122.5 (MANE Select); coding-DNA position 406, A replaced by T.
Protein change: p.Thr136Ser; replaces threonine 136 with serine.
Molecular consequence: missense variant.
Genome position (GRCh38, 1-based): chr1:173,831,544, A>T. VCF-style: chr1-173831544-A-T. GRCh37 (hg19) VCF-style: chr1-173800682-A-T.
Other names: NM_001365213.2:c.406A>T; c.406A>T, p.Thr136Ser (NM_001365212.1, NM_001365213.2); short protein forms T136S.
Identifiers: ClinVar variation 3776809 (VCV003776809.3).

ClinVar aggregate classification (germline): Uncertain significance. Review status: criteria provided, multiple submitters, no conflicts (2 of 4 stars). 2 submissions from 2 submitters: Uncertain significance (2). Last evaluated 2026-03-18.

Conditions:
Leukoencephalopathy with brain stem and spinal cord involvement-high lactate syndrome (LBSL). Also called: LEUKOENCEPHALOPATHY WITH BRAINSTEM AND SPINAL CORD INVOLVEMENT AND LACTATE ELEVATION, MILD; MITOCHONDRIAL ASPARTYL-tRNA SYNTHETASE DEFICIENCY; Leukoencephalopathy with Brainstem and Spinal Cord Involvement and Lactate Elevation. Identifiers: Orphanet 137898, MedGen C1970180, MONDO:0012622, OMIM 611105.

gnomAD v4.1: 15 of 1,613,770 alleles (0.00093%); highest among the groups gnomAD compares: Non-Finnish European, 0.0013%; no homozygotes.

Submissions (2):

Women's Health and Genetics/Laboratory Corporation of America, LabCorp
Classification: Uncertain significance. Last evaluated: 2026-03-18. Review status: criteria provided, single submitter. Criteria: LabCorp Variant Classification Summary - May 2015. Collection method: clinical testing. Allele origin: germline.
Comment: Variant summary: DARS2 c.406A>T (p.Thr136Ser) results in a conservative amino acid change in the encoded protein sequence. Algorithms developed to predict the effect of missense changes on protein structure and function are either unavailable or do not agree on the potential impact of this missense change. The variant was absent in 251366 control chromosomes. c.406A>T has been observed in at least two individuals from one family affected with Leukoencephalopathy With Brain Stem And Spinal Cord Involvement-High Lactate Syndrome (example: vanBerge_2014). These data indicate that the variant may be associated with disease. At least one publication reports experimental evidence evaluating an impact on protein function. The most pronounced variant effect results in 30%-50% of normal activity (example: van Berge_2013, Sauter_2015). The following publications have been ascertained in the context of this evaluation (PMID: 23216004, 24566671, 26620921). ClinVar contains an entry for this variant (Variation ID: 3776809). Based on the evidence outlined above, the variant was classified as VUS-possibly pathogenic.

Broad Center for Mendelian Genomics, Broad Institute of MIT and Harvard
Classification: Uncertain significance for Leukoencephalopathy with brain stem and spinal cord involvement-high lactate syndrome. Last evaluated: 2025-01-16. Review status: criteria provided, single submitter. Criteria: ACMG Guidelines, 2015. Collection method: curation. Allele origin: germline. Inheritance: Autosomal recessive inheritance.
Comment: The p.Thr136Ser variant in DARS2 has been reported in 2 individuals with leukoencephalopathy with brain stem and spinal cord involvement-high lactate syndrome (PMID: 23216004, 24566671), and has been identified in 0.001% (15/1179650) of European (non-Finnish) chromosomes by the Genome Aggregation Database (gnomAD). Although this variant has been seen in the general population in a heterozygous state, its frequency is low enough to be consistent with a recessive carrier frequency. Computational prediction tools and conservation analyses suggest that this variant may impact the protein, though this information is not predictive enough to determine pathogenicity. In vitro functional studies provide some evidence that the p.Thr136Ser variant may impact protein function (PMID: 23216004, 26620921). However, these types of assays may not accurately represent biological function. In summary, the clinical significance of the p.Thr136Ser variant is uncertain. ACMG/AMP Criteria applied: PP3, PM2_supporting, PS3_moderate (Richards 2015).

Literature cited by the submitters: PubMed 23216004 (cited by Women's Health and Genetics/Laboratory Corporation of America, LabCorp); PubMed 24566671 (cited by Women's Health and Genetics/Laboratory Corporation of America, LabCorp and Broad Center for Mendelian Genomics, Broad Institute of MIT and Harvard); PubMed 26620921 (cited by Women's Health and Genetics/Laboratory Corporation of America, LabCorp and Broad Center for Mendelian Genomics, Broad Institute of MIT and Harvard).